The following is an entry in ClinVar:

NM_001127222.2(CACNA1A):c.3170A>C (p.Gln1057Pro)

Gene: CACNA1A (calcium voltage-gated channel subunit alpha1 A; minus strand). Cytogenetic location: 19p13.13.
Variant type: single nucleotide variant.
Coding change: c.3170A>C on transcript NM_001127222.2 (MANE Select); coding-DNA position 3170, A replaced by C.
Protein change: p.Gln1057Pro; replaces glutamine 1057 with proline.
Molecular consequence: missense variant.
Genome position (GRCh38, 1-based): chr19:13,286,886, T>G on the plus strand (A>C on the coding strand, the complement: CACNA1A is on the minus strand). VCF-style: chr19-13286886-T-G. GRCh37 (hg19) VCF-style: chr19-13397700-T-G.
Other names: c.3182A>C, p.Gln1061Pro (NM_000068.4, NM_023035.3); c.3173A>C, p.Gln1058Pro (NM_001127221.2, NM_001174080.2); short protein forms Q1058P, Q1057P, Q1061P.
Identifiers: ClinVar variation 449906 (VCV000449906.14), dbSNP rs1273138619, ClinGen allele CA404341924.

ClinVar aggregate classification (germline): Uncertain significance. Review status: criteria provided, multiple submitters, no conflicts (2 of 4 stars). 3 submissions from 3 submitters: Uncertain significance (3). Last evaluated 2025-08-20.

Conditions:
Episodic ataxia type 2 (EA2). Also called: ATAXIA, EPISODIC, WITH NYSTAGMUS; ATAXIA, FAMILIAL PAROXYSMAL; CEREBELLAR ATAXIA, PAROXYSMAL, ACETAZOLAMIDE-RESPONSIVE; CEREBELLOPATHY, HEREDITARY PAROXYSMAL; ACETAZOLAMIDE-RESPONSIVE HEREDITARY PAROXYSMAL CEREBELLAR ATAXIA; EPISODIC ATAXIA, NYSTAGMUS-ASSOCIATED. Identifiers: Orphanet 97, MedGen C1720416, MONDO:0007163, OMIM 108500.
Developmental and epileptic encephalopathy, 42 (DEE42A). Also called: Epileptic encephalopathy, early infantile, 42; DEVELOPMENTAL AND EPILEPTIC ENCEPHALOPATHY 42A; EPILEPTIC ENCEPHALOPATHY, EARLY INFANTILE, 42A. Identifiers: MedGen C4310716, MONDO:0014917, OMIM 617106.

Allele frequency attached by ClinVar (database versions not stated): gnomAD 0.00001; TOPMed 0.00001.
gnomAD v4.1: 2 of 1,613,404 alleles (0.00012%); highest among the groups gnomAD compares: African/African-American, 0.0013%; no homozygotes.

Submissions (3):

GeneDx
Classification: Uncertain significance. Last evaluated: 2025-08-20. Review status: criteria provided, single submitter. Criteria: GeneDx Variant Classification Process June 2021. Collection method: clinical testing. Allele origin: germline. Affected: yes.
Comment: Not observed at significant frequency in large population cohorts (gnomAD); In silico analysis supports that this missense variant has a deleterious effect on protein structure/function; Has not been previously published as pathogenic or benign to our knowledge

Labcorp Genetics (formerly Invitae), Labcorp
Classification: Uncertain significance for Developmental and epileptic encephalopathy, 42; Episodic ataxia type 2. Last evaluated: 2025-03-04. Review status: criteria provided, single submitter. Criteria: Invitae Variant Classification Sherloc (09022015). Collection method: clinical testing. Allele origin: germline.
Comment: This sequence change replaces glutamine, which is neutral and polar, with proline, which is neutral and non-polar, at codon 1058 of the CACNA1A protein (p.Gln1058Pro). This variant is present in population databases (no rsID available, gnomAD 0.007%). This variant has not been reported in the literature in individuals affected with CACNA1A-related conditions. ClinVar contains an entry for this variant (Variation ID: 449906). Invitae Evidence Modeling of protein sequence and biophysical properties (such as structural, functional, and spatial information, amino acid conservation, physicochemical variation, residue mobility, and thermodynamic stability) indicates that this missense variant is not expected to disrupt CACNA1A protein function with a negative predictive value of 95%. In summary, the available evidence is currently insufficient to determine the role of this variant in disease. Therefore, it has been classified as a Variant of Uncertain Significance.

Genetic Services Laboratory, University of Chicago
Classification: Uncertain significance. Last evaluated: 2023-02-28. Review status: criteria provided, single submitter. Criteria: ACMG Guidelines, 2015. Collection method: clinical testing. Allele origin: germline. Affected: no.
Comment: DNA sequence analysis of the CACNA1A gene demonstrated a sequence change, c.3173A>C, in exon 20 that results in an amino acid change, p.Gln1058Pro. This sequence change does not appear to have been previously described in individuals with CACNA1A-related disorders. This sequence change has been described in the gnomAD database in one individual which corresponds to a population frequency of 0.0031% (dbSNP rs1273138619). The p.Gln1058Pro change affects a moderately conserved amino acid residue located in a domain of the CACNA1A protein that is not known to be functional. The p.Gln1058Pro substitution appears to be benign using several in-silico pathogenicity prediction tools (SIFT, PolyPhen2, Align GVGD, REVEL). Due to insufficient evidences and the lack of functional studies, the clinical significance of the p.Gln1058Pro change remains unknown at this time.